The following is an entry in ClinVar:

ClinVar aggregate classification (germline): Uncertain significance. Review status: criteria provided, multiple submitters, no conflicts (2 of 4 stars). 3 submissions from 3 submitters: Uncertain significance (2). 1 of the submissions does not count toward it. Last evaluated 2026-01-30.

Conditions:
Fanconi anemia (FA). Also called: Fanconi's anemia. Identifiers: Orphanet 84, MedGen C0015625, MeSH D005199, MONDO:0019391.
Fanconi anemia complementation group I (FANCI). Also called: FANCI-Related Fanconi Anemia. Identifiers: Orphanet 84, MedGen C1836861, MONDO:0012186, OMIM 609053.

Allele frequency attached by ClinVar (database versions not stated): ExAC 0.00002; TOPMed 0.00002.
gnomAD v4.1: 10 of 1,614,034 alleles (0.00062%); highest among the groups gnomAD compares: Admixed American, 0.015%; no homozygotes.

Submissions (3):

Labcorp Genetics (formerly Invitae), Labcorp
Classification: Uncertain significance for Fanconi anemia. Last evaluated: 2026-01-30. Review status: criteria provided, single submitter. Criteria: Invitae Variant Classification Sherloc (09022015). Collection method: clinical testing. Allele origin: germline.
Comment: This sequence change replaces glycine, which is neutral and non-polar, with arginine, which is basic and polar, at codon 1202 of the FANCI protein (p.Gly1202Arg). This variant is present in population databases (rs747326740, gnomAD 0.02%). This variant has not been reported in the literature in individuals affected with FANCI-related conditions. ClinVar contains an entry for this variant (Variation ID: 641741). Invitae Evidence Modeling of protein sequence and biophysical properties (such as structural, functional, and spatial information, amino acid conservation, physicochemical variation, residue mobility, and thermodynamic stability) indicates that this missense variant is expected to disrupt FANCI protein function with a positive predictive value of 80%. In summary, the available evidence is currently insufficient to determine the role of this variant in disease. Therefore, it has been classified as a Variant of Uncertain Significance.

Fulgent Genetics
Classification: Uncertain significance for Fanconi anemia complementation group I. Last evaluated: 2024-04-23. Review status: criteria provided, single submitter. Criteria: ACMG Guidelines, 2015. Collection method: clinical testing. Allele origin: germline.

Leiden Open Variation Database
Classification: Pathogenic for Fanconi anemia complementation group I. Last evaluated: 2011-02-07. Review status: no assertion criteria provided. Collection method: curation. Allele origin: germline. Affected: yes. Not counted in ClinVar's aggregate classification.
Comment: Curator: Arleen D. Auerbach. Submitter to LOVD: Arleen D. Auerbach.

NM_001113378.2(FANCI):c.3604G>C (p.Gly1202Arg)

Gene: FANCI (FA complementation group I; plus strand). Cytogenetic location: 15q26.1.
Variant type: single nucleotide variant.
Coding change: c.3604G>C on transcript NM_001113378.2 (MANE Select); coding-DNA position 3604, G replaced by C.
Protein change: p.Gly1202Arg; replaces glycine 1202 with arginine.
Molecular consequence: missense variant.
Genome position (GRCh38, 1-based): chr15:89,307,625, G>C. VCF-style: chr15-89307625-G-C. GRCh37 (hg19) VCF-style: chr15-89850856-G-C.
Other names: c.3325G>C, p.Gly1109Arg (NM_001376910.1); c.3604G>C, p.Gly1202Arg (NM_001376911.1); c.3424G>C, p.Gly1142Arg (NM_018193.3); short protein forms G1202R, G1142R, G1109R.
Identifiers: ClinVar variation 641741 (VCV000641741.10), dbSNP rs747326740, ClinGen allele CA7723787.
Genomic context (GRCh38, chr15:89,307,625, plus strand): 5'-GCACTTTTACTGCTGGTTACATTGGTTTCCTTCTCCCTTGTTGTGCAGGTGAAGCTGTCT[G>C]GTTCTCATCTGACCCCCCTGTGTTATTCTTTCATTTCTTACGTACAGGTAAGAGATTCAG-3'
Protein context (NP_001106849.1, residues 1192-1212): KNMEKLVKLS[Gly1202Arg]SHLTPLCYSF